The following is an entry in ClinVar:

ClinVar aggregate classification (germline): Uncertain significance (1 of 4 stars; one submission).

gnomAD v4.1: 3 of 1,613,884 alleles (0.00019%); highest among the groups gnomAD compares: Non-Finnish European, 0.00025%; no homozygotes.

Submission:

Labcorp Genetics (formerly Invitae), Labcorp
Classification: Uncertain significance. Last evaluated: 2024-05-29. Review status: criteria provided, single submitter. Criteria: Invitae Variant Classification Sherloc (09022015). Collection method: clinical testing. Allele origin: germline.
Comment: This sequence change replaces alanine, which is neutral and non-polar, with glycine, which is neutral and non-polar, at codon 875 of the TOPORS protein (p.Ala875Gly). This variant is not present in population databases (gnomAD no frequency). This variant has not been reported in the literature in individuals affected with TOPORS-related conditions. ClinVar contains an entry for this variant (Variation ID: 1450569). Experimental studies and prediction algorithms are not available or were not evaluated, and the functional significance of this variant is currently unknown. In summary, the available evidence is currently insufficient to determine the role of this variant in disease. Therefore, it has been classified as a Variant of Uncertain Significance.

NM_005802.5(TOPORS):c.2624C>G (p.Ala875Gly)

Gene: TOPORS (TOP1 binding arginine/serine rich protein, E3 ubiquitin ligase; minus strand). Cytogenetic location: 9p21.1.
Variant type: single nucleotide variant.
Coding change: c.2624C>G on transcript NM_005802.5 (MANE Select); coding-DNA position 2624, C replaced by G.
Protein change: p.Ala875Gly; replaces alanine 875 with glycine.
Molecular consequence: missense variant.
Genome position (GRCh38, 1-based): chr9:32,541,901, G>C on the plus strand (C>G on the coding strand, the complement: TOPORS is on the minus strand). VCF-style: chr9-32541901-G-C. GRCh37 (hg19) VCF-style: chr9-32541899-G-C.
Other names: c.2429C>G, p.Ala810Gly (NM_001195622.2); short protein forms A875G, A810G.
Identifiers: ClinVar variation 1450569 (VCV001450569.8), dbSNP rs868351393, ClinGen allele CA373162338.